The following is an entry in ClinVar:

ClinVar aggregate classification (germline): Uncertain significance. Review status: criteria provided, single submitter (1 of 4 stars). 2 submissions from 2 submitters: Uncertain significance (1). 1 of the submissions does not count toward it. Last evaluated 2021-08-27.

Conditions:
Retinitis pigmentosa 25 (RP25). Identifiers: Orphanet 791, MedGen C1864446, MONDO:0011272, OMIM 602772.

Allele frequency attached by ClinVar (database versions not stated): gnomAD exomes below 0.00001.
gnomAD v4.1: 2 of 1,506,044 alleles (0.00013%); highest among the groups gnomAD compares: South Asian, 0.0026%; no homozygotes.

Submissions (2):

Labcorp Genetics (formerly Invitae), Labcorp
Classification: Uncertain significance. Last evaluated: 2021-08-27. Review status: criteria provided, single submitter. Criteria: Invitae Variant Classification Sherloc (09022015). Collection method: clinical testing. Allele origin: germline.
Comment: This sequence change replaces histidine with arginine at codon 1302 of the EYS protein (p.His1302Arg). The histidine residue is moderately conserved and there is a small physicochemical difference between histidine and arginine. The frequency data for this variant in the population databases is considered unreliable, as metrics indicate insufficient coverage at this position in the ExAC database. This variant has not been reported in the literature in individuals affected with EYS-related conditions. ClinVar contains an entry for this variant (Variation ID: 357714). Algorithms developed to predict the effect of missense changes on protein structure and function are either unavailable or do not agree on the potential impact of this missense change (SIFT: "Deleterious"; PolyPhen-2: "Possibly Damaging"; Align-GVGD: "Class C0"). In summary, the available evidence is currently insufficient to determine the role of this variant in disease. Therefore, it has been classified as a Variant of Uncertain Significance.

Natera, Inc.
Classification: Uncertain significance for Retinitis pigmentosa type 25. Last evaluated: 2020-10-12. Review status: no assertion criteria provided. Collection method: clinical testing. Allele origin: germline. Not counted in ClinVar's aggregate classification.

NM_001142800.2(EYS):c.3905A>G (p.His1302Arg)

Gene: EYS (EGF-like photoreceptor maintenance factor; minus strand). Cytogenetic location: 6q12.
Variant type: single nucleotide variant.
Coding change: c.3905A>G on transcript NM_001142800.2 (MANE Select); coding-DNA position 3905, A replaced by G.
Protein change: p.His1302Arg; replaces histidine 1302 with arginine.
Molecular consequence: missense variant.
Genome position (GRCh38, 1-based): chr6:64,591,962, T>C on the plus strand (A>G on the coding strand, the complement: EYS is on the minus strand). VCF-style: chr6-64591962-T-C. GRCh37 (hg19) VCF-style: chr6-65301855-T-C.
Other names: c.3905A>G, p.His1302Arg (NM_001292009.2); short protein forms H1302R.
Identifiers: ClinVar variation 357714 (VCV000357714.11), dbSNP rs886061676, ClinGen allele CA10622593.
Genomic context (GRCh38, chr6:64,591,962, plus strand): 5'-TAGCTTTCCAAGGGTGTGCTAATTCTTAATGTTGCCAAACCAGTGGTTGGGAGAATGTCG[T>C]GCTTGACAATGCCTGTCTGTTTTGGACCTACAAAAAGGAAAAAAGCCAAAAAGGTTAGAA-3'
Protein context (NP_001136272.1, residues 1292-1312): QGPKQTGIVK[His1302Arg]DILPTTGLAT